The following is an entry in ClinVar:

ClinVar aggregate classification (germline): Uncertain significance (1 of 4 stars; one submission).

Conditions:
Familial hypobetalipoproteinemia 1. Also called: APOB-Related Familial Hypobetalipoproteinemia; Hypobetalipoproteinemia, normotriglyceridemic; Acanthocytosis with hypobetalipoproteinemia. Identifiers: MedGen C4551990, MONDO:0014252, OMIM 615558.
Hypercholesterolemia, autosomal dominant, type B (FHCL2). Also called: Familial Hypercholesterolemia Type B; APOLIPOPROTEIN B-100, FAMILIAL DEFECTIVE; APOLIPOPROTEIN B-100, FAMILIAL LIGAND-DEFECTIVE; HYPERCHOLESTEROLEMIA, FAMILIAL, DUE TO LIGAND-DEFECTIVE APOLIPOPROTEIN B; Hyperlipoproteinemia Type IIb; Familial hypercholesterolemia 2. Identifiers: MedGen C1704417, MONDO:0007751, OMIM 144010.

gnomAD v4.1: 1 of 1,613,986 alleles (0.000062%); highest among the groups gnomAD compares: Non-Finnish European, 0.000085%; no homozygotes.

Submission:

Labcorp Genetics (formerly Invitae), Labcorp
Classification: Uncertain significance for Familial hypobetalipoproteinemia 1; Hypercholesterolemia, autosomal dominant, type B. Last evaluated: 2025-01-01. Review status: criteria provided, single submitter. Criteria: Invitae Variant Classification Sherloc (09022015). Collection method: clinical testing. Allele origin: germline.
Comment: This sequence change replaces aspartic acid, which is acidic and polar, with valine, which is neutral and non-polar, at codon 4275 of the APOB protein (p.Asp4275Val). This variant is not present in population databases (gnomAD no frequency). This variant has not been reported in the literature in individuals affected with APOB-related conditions. Invitae Evidence Modeling of protein sequence and biophysical properties (such as structural, functional, and spatial information, amino acid conservation, physicochemical variation, residue mobility, and thermodynamic stability) indicates that this missense variant is not expected to disrupt APOB protein function with a negative predictive value of 95%. In summary, the available evidence is currently insufficient to determine the role of this variant in disease. Therefore, it has been classified as a Variant of Uncertain Significance.

NM_000384.3(APOB):c.12824A>T (p.Asp4275Val)

Gene: APOB (apolipoprotein B; minus strand). Cytogenetic location: 2p24.1.
Variant type: single nucleotide variant.
Coding change: c.12824A>T on transcript NM_000384.3 (MANE Select); coding-DNA position 12824, A replaced by T.
Protein change: p.Asp4275Val; replaces aspartic acid 4275 with valine.
Molecular consequence: missense variant.
Genome position (GRCh38, 1-based): chr2:21,002,598, T>A on the plus strand (A>T on the coding strand, the complement: APOB is on the minus strand). VCF-style: chr2-21002598-T-A. GRCh37 (hg19) VCF-style: chr2-21225470-T-A.
Other names: short protein forms D4275V.
Identifiers: ClinVar variation 3753592 (VCV003753592.2).